The following is an entry in ClinVar:

ClinVar aggregate classification (germline): Pathogenic (1 of 4 stars; one submission).

Submission:

GeneDx
Classification: Pathogenic. Last evaluated: 2025-06-17. Review status: criteria provided, single submitter. Criteria: GeneDx Variant Classification Process June 2021. Collection method: clinical testing. Allele origin: germline. Affected: yes.
Comment: Not observed at significant frequency in large population cohorts (gnomAD); In-frame deletion of 7 amino acid(s) in a non-repeat region; In silico analysis supports a deleterious effect on protein structure/function; Also known as c.157_177del; This variant is associated with the following publications: (PMID: 22982744, 29897170)

NM_001365902.3(NFIX):c.157_177del (p.Glu53_Glu59del)

Gene: NFIX (nuclear factor I X; plus strand). Cytogenetic location: 19p13.13.
Variant type: Deletion.
Coding change: c.157_177del on transcript NM_001365902.3 (MANE Select); coding-DNA positions 157 to 177, 21 bases deleted (GAGCGGGCGGTGAAGGACGAG).
Protein change: p.Glu53_Glu59del.
Genome position (GRCh38, 1-based): chr19:13,025,150-13,025,170, GAGCGGGCGGTGAAGGACGAG deleted; deleting any 21 consecutive bases within chr19:13,025,140-13,025,170 gives the same sequence; the c. name uses the placement nearest the transcript's 3' end. VCF-style (leftmost placement, unchanged base first): chr19-13025139-CGAAGGACGAGGAGCGGGCGGT-C. GRCh37 (hg19) VCF-style: chr19-13135953-CGAAGGACGAGGAGCGGGCGGT-C.
Other names: c.181_201del, p.Glu61_Glu67del (NM_001271043.2); c.133_153del, p.Glu45_Glu51del (NM_001271044.3, NM_001378404.1, NM_001440616.1 and 1 more transcripts); c.157_177del, p.Glu53_Glu59del (NM_001365982.2, NM_002501.4); c.16_36del, p.Glu6_Glu12del (NM_001365983.2); c.154_174del, p.Glu52_Glu58del (NM_001365984.2, NM_001365985.2); c.205_225del, p.Glu69_Glu75del (NM_001378405.1).
Identifiers: ClinVar variation 4538660 (VCV004538660.1).